The following is an entry in ClinVar:

NM_001012759.3(CTU2):c.387C>G (p.Thr129=)

Gene: CTU2 (cytosolic thiouridylase subunit 2; plus strand). Cytogenetic location: 16q24.3.
Variant type: single nucleotide variant.
Coding change: c.387C>G on transcript NM_001012759.3 (MANE Select); coding-DNA position 387, C replaced by G.
Protein change: p.Thr129=; no amino-acid change (threonine 129 retained).
Molecular consequence: synonymous variant.
Genome position (GRCh38, 1-based): chr16:88,712,317, C>G. VCF-style: chr16-88712317-C-G. GRCh37 (hg19) VCF-style: chr16-88778725-C-G.
Other names: c.387C>G, p.Thr129= (NM_001012762.3); c.600C>G, p.Thr200= (NM_001318507.2); c.126C>G, p.Thr42= (NM_001318513.2).
Identifiers: ClinVar variation 3029156 (VCV003029156.2), dbSNP rs745307187, ClinGen allele CA8230288.

ClinVar aggregate classification (germline): Likely benign (0 of 4 stars; one submission).

Conditions:
CTU2-related disorder. Also called: CTU2-related condition.

Allele frequency attached by ClinVar (database versions not stated): gnomAD 0.00001; TOPMed 0.00002.
gnomAD v4.1: 5 of 1,609,888 alleles (0.00031%); highest among the groups gnomAD compares: African/African-American, 0.0027%; no homozygotes.

Submission:

PreventionGenetics, part of Exact Sciences
Classification: Likely benign for CTU2-related condition. Last evaluated: 2021-10-30. Review status: no assertion criteria provided. Collection method: clinical testing. Allele origin: germline.
Comment: This variant is classified as likely benign based on ACMG/AMP sequence variant interpretation guidelines (Richards et al. 2015 PMID: 25741868, with internal and published modifications).